The following is an entry in ClinVar:

NM_002519.3(NPAT):c.611G>A (p.Ser204Asn)

Gene: NPAT (nuclear protein, coactivator of histone transcription; minus strand). Cytogenetic location: 11q22.3.
Variant type: single nucleotide variant.
Coding change: c.611G>A on transcript NM_002519.3 (MANE Select); coding-DNA position 611, G replaced by A.
Protein change: p.Ser204Asn; replaces serine 204 with asparagine.
Molecular consequence: missense variant.
Genome position (GRCh38, 1-based): chr11:108,188,125, C>T on the plus strand (G>A on the coding strand, the complement: NPAT is on the minus strand). VCF-style: chr11-108188125-C-T. GRCh37 (hg19) VCF-style: chr11-108058852-C-T.
Other names: c.611G>A, p.Ser204Asn (NM_001321307.1); short protein forms S204N.
Identifiers: ClinVar variation 2447461 (VCV002447461.2), dbSNP rs576907082, ClinGen allele CA382523039.

ClinVar aggregate classification (germline): Uncertain significance (1 of 4 stars; one submission).

Allele frequency attached by ClinVar (database versions not stated): gnomAD exomes below 0.00001.
gnomAD v4.1: 2 of 1,612,420 alleles (0.00012%); highest among the groups gnomAD compares: Non-Finnish European, 0.00017%; no homozygotes.

Submission:

Ambry Genetics
Classification: Uncertain significance. Last evaluated: 2023-02-28. Review status: criteria provided, single submitter. Criteria: Ambry Variant Classification Scheme 2023. Collection method: clinical testing. Allele origin: germline.
Comment: The p.S204N variant (also known as c.611G>A), located in coding exon 7 of the NPAT gene, results from a G to A substitution at nucleotide position 611. The serine at codon 204 is replaced by asparagine, an amino acid with highly similar properties. This amino acid position is conserved. In addition, this alteration is predicted to be tolerated by in silico analysis. Since supporting evidence is limited at this time, the clinical significance of this alteration remains unclear.